The following is an entry in ClinVar:

ClinVar aggregate classification (germline): Conflicting classifications of pathogenicity. Review status: criteria provided, conflicting classifications (1 of 4 stars). 2 submissions from 2 submitters: Pathogenic (1); Uncertain significance (1). Last evaluated 2019-07-24.

Conditions:
Spastic paraplegia. Identifiers: MedGen C0037772, HP:0001258.
Hereditary spastic paraplegia 26 (SPG26). Also called: SPASTIC PARAPLEGIA 26, AUTOSOMAL RECESSIVE. Identifiers: Orphanet 101006, MedGen C1836632, MONDO:0012213, OMIM 609195.

Allele frequency attached by ClinVar (database versions not stated): gnomAD exomes below 0.00001.

Submissions (2):

Labcorp Genetics (formerly Invitae), Labcorp
Classification: Uncertain significance for Spastic paraplegia. Last evaluated: 2019-07-24. Review status: criteria provided, single submitter. Criteria: Invitae Variant Classification Sherloc (09022015). Collection method: clinical testing. Allele origin: germline.
Comment: In summary, the available evidence is currently insufficient to determine the role of this variant in disease. Therefore, it has been classified as a Variant of Uncertain Significance. Nucleotide substitutions within the consensus splice site are a relatively common cause of aberrant splicing (PMID: 17576681, 9536098). Algorithms developed to predict the effect of sequence changes on RNA splicing suggest that this variant may disrupt the consensus splice site, but this prediction has not been confirmed by published transcriptional studies. Algorithms developed to predict the effect of missense changes on protein structure and function (SIFT, PolyPhen-2, Align-GVGD) all suggest that this variant is likely to be disruptive, but these predictions have not been confirmed by published functional studies and their clinical significance is uncertain. This variant has not been reported in the literature in individuals with B4GALNT1-related conditions. This variant is not present in population databases (ExAC no frequency). This sequence change replaces lysine with asparagine at codon 334 of the B4GALNT1 protein (p.Lys334Asn). The lysine residue is highly conserved and there is a moderate physicochemical difference between lysine and asparagine. This variant also falls at the last nucleotide of exon 8 of the B4GALNT1 coding sequence, which is part of the consensus splice site for this exon.

Paris Brain Institute, Inserm - ICM
Classification: Pathogenic for Hereditary spastic paraplegia 26. Review status: criteria provided, single submitter. Criteria: ACMG Guidelines, 2015. Collection method: clinical testing. Allele origin: unknown. Affected: yes. Observed: 1 variant allele.

Literature cited by the submitters: PubMed 17576681 (cited by Labcorp Genetics (formerly Invitae), Labcorp); PubMed 9536098 (cited by Labcorp Genetics (formerly Invitae), Labcorp).

NM_001478.5(B4GALNT1):c.1002G>T (p.Lys334Asn)

Gene: B4GALNT1 (beta-1,4-N-acetyl-galactosaminyltransferase 1; minus strand). Cytogenetic location: 12q13.3.
Variant type: single nucleotide variant.
Coding change: c.1002G>T on transcript NM_001478.5 (MANE Select); coding-DNA position 1002, G replaced by T.
Protein change: p.Lys334Asn; replaces lysine 334 with asparagine.
Molecular consequence: missense variant.
Genome position (GRCh38, 1-based): chr12:57,628,713, C>A on the plus strand (G>T on the coding strand, the complement: B4GALNT1 is on the minus strand). VCF-style: chr12-57628713-C-A. GRCh37 (hg19) VCF-style: chr12-58022496-C-A.
Other names: c.837G>T, p.Lys279Asn (NM_001276468.2); short protein forms K279N, K334N.
Identifiers: ClinVar variation 947526 (VCV000947526.11), dbSNP rs1471760048, ClinGen allele CA385496468.
Genomic context (GRCh38, chr12:57,628,713, plus strand): 5'-TTGAGGGCACACCCCCTGCGGGAGTCCTCTGGCCTGCCGTTCAGCCTGCTAGCTGCACAC[C>A]TTGCCGAAGGGCATGAGATAGTGTTCCACGTAGGGGCCACTAACGCGCTCTGGCTTGTCG-3'
Protein context (NP_001469.1, residues 324-344): YVEHYLMPFG[Lys334Asn]GWFAGRNLAV